The following is an entry in ClinVar:

NM_001127222.2(CACNA1A):c.3529C>A (p.Pro1177Thr)

Gene: CACNA1A (calcium voltage-gated channel subunit alpha1 A; minus strand). Cytogenetic location: 19p13.13.
Variant type: single nucleotide variant.
Coding change: c.3529C>A on transcript NM_001127222.2 (MANE Select); coding-DNA position 3529, C replaced by A.
Protein change: p.Pro1177Thr; replaces proline 1177 with threonine.
Molecular consequence: missense variant.
Genome position (GRCh38, 1-based): chr19:13,286,527, G>T on the plus strand (C>A on the coding strand, the complement: CACNA1A is on the minus strand). VCF-style: chr19-13286527-G-T. GRCh37 (hg19) VCF-style: chr19-13397341-G-T.
Other names: c.3541C>A, p.Pro1181Thr (NM_000068.4, NM_023035.3); c.3532C>A, p.Pro1178Thr (NM_001127221.2, NM_001174080.2); short protein forms P1178T, P1177T, P1181T.
Identifiers: ClinVar variation 385379 (VCV000385379.7), dbSNP rs1057522207, ClinGen allele CA16608153.
Genomic context (GRCh38, chr19:13,286,527, plus strand): 5'-TCCCCTGCCCAGTGATGTGAGAGCAGAGGGTCTCACCTTGTACGACGGTGTGGTTGAGGG[G>T]GGGTGGGCAGGCTGGGGGGATGTCCACTGTGGTGTGGTCGGGTTTCCTGGCAGTCTTAGC-3'
Protein context (NP_001120694.1, residues 1167-1187): TVDIPPACPP[Pro1177Thr]LNHTVVQVNK

ClinVar aggregate classification (germline): Uncertain significance. Review status: criteria provided, multiple submitters, no conflicts (2 of 4 stars). 2 submissions from 2 submitters: Uncertain significance (2). Last evaluated 2022-12-25.

Conditions:
Episodic ataxia type 2 (EA2). Also called: ATAXIA, EPISODIC, WITH NYSTAGMUS; ATAXIA, FAMILIAL PAROXYSMAL; CEREBELLAR ATAXIA, PAROXYSMAL, ACETAZOLAMIDE-RESPONSIVE; CEREBELLOPATHY, HEREDITARY PAROXYSMAL; EPISODIC ATAXIA, NYSTAGMUS-ASSOCIATED; ACETAZOLAMIDE-RESPONSIVE HEREDITARY PAROXYSMAL CEREBELLAR ATAXIA. Identifiers: Orphanet 97, MedGen C1720416, MONDO:0007163, OMIM 108500.
Developmental and epileptic encephalopathy, 42 (DEE42A). Also called: Epileptic encephalopathy, early infantile, 42; DEVELOPMENTAL AND EPILEPTIC ENCEPHALOPATHY 42A; EPILEPTIC ENCEPHALOPATHY, EARLY INFANTILE, 42A. Identifiers: MedGen C4310716, MONDO:0014917, OMIM 617106.

gnomAD v4.1: 2 of 1,498,406 alleles (0.00013%); highest among the groups gnomAD compares: Non-Finnish European, 0.00018%; no homozygotes.

Submissions (2):

Labcorp Genetics (formerly Invitae), Labcorp
Classification: Uncertain significance for Developmental and epileptic encephalopathy, 42; Episodic ataxia type 2. Last evaluated: 2022-12-25. Review status: criteria provided, single submitter. Criteria: Invitae Variant Classification Sherloc (09022015). Collection method: clinical testing. Allele origin: germline.
Comment: This sequence change replaces proline, which is neutral and non-polar, with threonine, which is neutral and polar, at codon 1178 of the CACNA1A protein (p.Pro1178Thr). This variant is not present in population databases (gnomAD no frequency). This variant has not been reported in the literature in individuals affected with CACNA1A-related conditions. ClinVar contains an entry for this variant (Variation ID: 385379). Advanced modeling of protein sequence and biophysical properties (such as structural, functional, and spatial information, amino acid conservation, physicochemical variation, residue mobility, and thermodynamic stability) performed at Invitae indicates that this missense variant is not expected to disrupt CACNA1A protein function. In summary, the available evidence is currently insufficient to determine the role of this variant in disease. Therefore, it has been classified as a Variant of Uncertain Significance.

GeneDx
Classification: Uncertain significance. Last evaluated: 2016-10-28. Review status: criteria provided, single submitter. Criteria: GeneDx Variant Classification (06012015). Collection method: clinical testing. Allele origin: germline. Affected: yes.
Comment: A variant of uncertain significance has been identified in the CACNA1A gene. The P1178T variant has not been published as a pathogenic variant, nor has it been reported as a benign variant to our knowledge. It was not observed in approximately 6,100 individuals of European and African American ancestry in the NHLBI Exome Sequencing Project, indicating it is not a common benign variant in these populations. The P1178T variant is a non-conservative amino acid substitution, which is likely to impact secondary protein structure as these residues differ in polarity, charge, size, and/or other properties. This substitution occurs at a position that is conserved across species. In silico analysis is inconsistent in its predictions as to whether or not the variant is damaging to the protein structure/function. Based on the currently available information, it is unclear whether this variant is a pathogenic variant or a rare benign variant.